The following is an entry in ClinVar:

NM_006914.4(RORB):c.950C>T (p.Thr317Ile)

Gene: RORB (RAR related orphan receptor B; plus strand). Cytogenetic location: 9q21.13.
Variant type: single nucleotide variant.
Coding change: c.950C>T on transcript NM_006914.4 (MANE Select); coding-DNA position 950, C replaced by T.
Protein change: p.Thr317Ile; replaces threonine 317 with isoleucine.
Molecular consequence: missense variant.
Genome position (GRCh38, 1-based): chr9:74,665,545, C>T. VCF-style: chr9-74665545-C-T. GRCh37 (hg19) VCF-style: chr9-77280461-C-T.
Other names: c.983C>T, p.Thr328Ile (NM_001365023.1); short protein forms T317I, T328I.
Identifiers: ClinVar variation 3777571 (VCV003777571.1).
Genomic context (GRCh38, chr9:74,665,545, plus strand): 5'-TAGGTTGCTTGGAAGTGGTTTTAGTGAGAATGTGCCGTGCCTTCAACCCATTAAACAACA[C>T]TGTTCTGTTTGAAGGAAAATATGGAGGAATGCAAATGTTCAAAGCCTTAGGTAAGTTTCC-3'
Protein context (NP_008845.2, residues 307-327): MCRAFNPLNN[Thr317Ile]VLFEGKYGGM

ClinVar aggregate classification (germline): Uncertain significance (1 of 4 stars; one submission).

Submission:

GeneDx
Classification: Uncertain significance. Last evaluated: 2024-10-08. Review status: criteria provided, single submitter. Criteria: GeneDx Variant Classification Process June 2021. Collection method: clinical testing. Allele origin: germline. Affected: yes.
Comment: Not observed at significant frequency in large population cohorts (gnomAD); In silico analysis supports that this missense variant has a deleterious effect on protein structure/function; Has not been previously published as pathogenic or benign to our knowledge